The following is an entry in ClinVar:

NM_001378778.1(MPDZ):c.2105A>T (p.Glu702Val)

Gene: MPDZ (multiple PDZ domain crumbs cell polarity complex component; minus strand). Cytogenetic location: 9p23.
Variant type: single nucleotide variant.
Coding change: c.2105A>T on transcript NM_001378778.1 (MANE Select); coding-DNA position 2105, A replaced by T.
Protein change: p.Glu702Val; replaces glutamic acid 702 with valine.
Molecular consequence: missense variant.
Genome position (GRCh38, 1-based): chr9:13,190,163, T>A on the plus strand (A>T on the coding strand, the complement: MPDZ is on the minus strand). VCF-style: chr9-13190163-T-A. GRCh37 (hg19) VCF-style: chr9-13190162-T-A.
Other names: c.2105A>T, p.Glu702Val (NM_001261406.2, NM_001261407.2, NM_001330637.2 and 14 more transcripts); short protein forms E702V.
Identifiers: ClinVar variation 211509 (VCV000211509.9), dbSNP rs4740548, ClinGen allele CA205631.

ClinVar aggregate classification (germline): Benign. Review status: criteria provided, multiple submitters, no conflicts (2 of 4 stars). 3 submissions from 3 submitters: Benign (3). Last evaluated 2019-04-20.

Allele frequency attached by ClinVar (database versions not stated): gnomAD exomes 0.01290 and 0.01891; gnomAD 0.01546 and 0.01716; TOPMed 0.01717; ExAC 0.02145; 1000 Genomes Project 30x 0.02889; 1000 Genomes Project 0.03115.
gnomAD v4.1: 21,691 of 1,613,010 alleles (1.3%); highest among the groups gnomAD compares: South Asian, 8%; 510 homozygotes.

Submissions (3):

GeneDx
Classification: Benign. Last evaluated: 2019-04-20. Review status: criteria provided, single submitter. Criteria: GeneDx Variant Classification Process June 2021. Collection method: clinical testing. Allele origin: germline. Affected: yes.
Comment: This variant is associated with the following publications: (PMID: 29924831)

Genetic Services Laboratory, University of Chicago
Classification: Benign. Last evaluated: 2013-04-08. Review status: criteria provided, single submitter. Criteria: ACMG Guidelines, 2007. Collection method: clinical testing. Allele origin: germline.

Breakthrough Genomics
Classification: Benign. Review status: criteria provided, single submitter. Criteria: ACMG Guidelines, 2015. Collection method: not provided. Allele origin: germline. Inheritance: Autosomal recessive inheritance. Affected: yes.